The following is an entry in ClinVar:

NM_032217.5(ANKRD17):c.1022C>G (p.Ala341Gly)

Gene: ANKRD17 (ankyrin repeat domain 17; minus strand). Cytogenetic location: 4q13.3.
Variant type: single nucleotide variant.
Coding change: c.1022C>G on transcript NM_032217.5 (MANE Select); coding-DNA position 1022, C replaced by G.
Protein change: p.Ala341Gly; replaces alanine 341 with glycine.
Molecular consequence: missense variant.
Genome position (GRCh38, 1-based): chr4:73,154,092, G>C on the plus strand (C>G on the coding strand, the complement: ANKRD17 is on the minus strand). VCF-style: chr4-73154092-G-C. GRCh37 (hg19) VCF-style: chr4-74019809-G-C.
Other names: c.683C>G, p.Ala228Gly (NM_001286771.3); c.1022C>G, p.Ala341Gly (NM_015574.2, NM_198889.3); short protein forms A228G, A341G.
Identifiers: ClinVar variation 4681003 (VCV004681003.1).

ClinVar aggregate classification (germline): Uncertain significance (1 of 4 stars; one submission).

Submission:

GeneDx
Classification: Uncertain significance. Last evaluated: 2025-06-25. Review status: criteria provided, single submitter. Criteria: GeneDx Variant Classification Process June 2021. Collection method: clinical testing. Allele origin: germline. Affected: yes.
Comment: Not observed at significant frequency in large population cohorts (gnomAD); In silico analysis suggests that this missense variant does not alter protein structure/function; Has not been previously published as pathogenic or benign to our knowledge